The following is an entry in ClinVar:

ClinVar aggregate classification (germline): Uncertain significance. Review status: criteria provided, multiple submitters, no conflicts (2 of 4 stars). 3 submissions from 3 submitters: Uncertain significance (3). Last evaluated 2025-11-09.

Conditions:
Hereditary cancer-predisposing syndrome. Also called: Neoplastic Syndromes, Hereditary; Tumor predisposition; Hereditary neoplastic syndrome; Hereditary Cancer Syndrome. Identifiers: Orphanet 140162, MedGen C0027672, MeSH D009386, MONDO:0015356.
BAP1-related tumor predisposition syndrome (TPDS1). Also called: BAP1 tumor predisposition syndrome; TUMOR PREDISPOSITION SYNDROME 1; Tumor susceptibility linked to germline BAP1 mutations; COMMON Syndrome. Identifiers: Orphanet 289539, MedGen C3280492, MONDO:0013692, OMIM 614327.

Allele frequency attached by ClinVar (database versions not stated): gnomAD exomes below 0.00001; gnomAD 0.00001; TOPMed 0.00001.
gnomAD v4.1: 2 of 1,613,806 alleles (0.00012%); highest among the groups gnomAD compares: African/African-American, 0.0027%; no homozygotes.

Submissions (3):

Labcorp Genetics (formerly Invitae), Labcorp
Classification: Uncertain significance for BAP1-related tumor predisposition syndrome. Last evaluated: 2025-11-09. Review status: criteria provided, single submitter. Criteria: Invitae Variant Classification Sherloc (09022015). Collection method: clinical testing. Allele origin: germline.
Comment: This sequence change replaces threonine, which is neutral and polar, with alanine, which is neutral and non-polar, at codon 111 of the BAP1 protein (p.Thr111Ala). This variant is not present in population databases (gnomAD no frequency). This variant has not been reported in the literature in individuals affected with BAP1-related conditions. ClinVar contains an entry for this variant (Variation ID: 580386). Invitae Evidence Modeling of protein sequence and biophysical properties (such as structural, functional, and spatial information, amino acid conservation, physicochemical variation, residue mobility, and thermodynamic stability) has been performed for this missense variant. However, the output from this modeling did not meet the statistical confidence thresholds required to predict the impact of this variant on BAP1 protein function. In summary, the available evidence is currently insufficient to determine the role of this variant in disease. Therefore, it has been classified as a Variant of Uncertain Significance.

Baylor Genetics
Classification: Uncertain significance for BAP1-related tumor predisposition syndrome. Last evaluated: 2024-02-06. Review status: criteria provided, single submitter. Criteria: ACMG Guidelines, 2015. Collection method: clinical testing. Allele origin: unknown.

Ambry Genetics
Classification: Uncertain significance for Hereditary cancer-predisposing syndrome. Last evaluated: 2022-10-27. Review status: criteria provided, single submitter. Criteria: Ambry Variant Classification Scheme 2023. Collection method: clinical testing. Allele origin: germline.
Comment: The p.T111A variant (also known as c.331A>G), located in coding exon 5 of the BAP1 gene, results from an A to G substitution at nucleotide position 331. The threonine at codon 111 is replaced by alanine, an amino acid with similar properties. This amino acid position is conserved. In addition, the in silico prediction for this alteration is inconclusive. Since supporting evidence is limited at this time, the clinical significance of this alteration remains unclear.

NM_004656.4(BAP1):c.331A>G (p.Thr111Ala)

Gene: BAP1 (BRCA1 associated deubiquitinase 1; minus strand). Cytogenetic location: 3p21.1.
Variant type: single nucleotide variant.
Coding change: c.331A>G on transcript NM_004656.4 (MANE Select); coding-DNA position 331, A replaced by G.
Protein change: p.Thr111Ala; replaces threonine 111 with alanine.
Molecular consequence: missense variant.
Genome position (GRCh38, 1-based): chr3:52,408,002, T>C on the plus strand (A>G on the coding strand, the complement: BAP1 is on the minus strand). VCF-style: chr3-52408002-T-C. GRCh37 (hg19) VCF-style: chr3-52442018-T-C.
Other names: short protein forms T111A.
Identifiers: ClinVar variation 580386 (VCV000580386.12), dbSNP rs1303575075, ClinGen allele CA353112070.
Genomic context (GRCh38, chr3:52,408,002, plus strand): 5'-AGGCACTGCAGCCTACCTCAGGGCTGAAACCCTTGGTGAAGTCCTTCATGCGACTCAGGG[T>C]GGGTCCCAGGTCCACGCTGCTGCAGTTCAGGAGCACGCTCAGCAAGGCATGAGTTGCACA-3'
Protein context (NP_004647.1, residues 101-121): LNCSSVDLGP[Thr111Ala]LSRMKDFTKG